The following is an entry in ClinVar:

ClinVar aggregate classification (germline): Uncertain significance. Review status: criteria provided, multiple submitters, no conflicts (2 of 4 stars). 2 submissions from 2 submitters: Uncertain significance (2). Last evaluated 2025-10-28.

Conditions:
Inborn genetic diseases. Identifiers: MedGen C0950123, MeSH D030342.
Mosaic variegated aneuploidy syndrome 1 (MVA1). Also called: Warburton-Anyane-Yeboa syndrome. Identifiers: Orphanet 1052, MedGen C1850343, MONDO:0009759, OMIM 257300.

Allele frequency attached by ClinVar (database versions not stated): TOPMed below 0.00001; gnomAD 0.00001.
gnomAD v4.1: 1 of 1,614,092 alleles (0.000062%); highest among the groups gnomAD compares: Non-Finnish European, 0.000085%; no homozygotes.

Submissions (2):

Labcorp Genetics (formerly Invitae), Labcorp
Classification: Uncertain significance for Mosaic variegated aneuploidy syndrome 1. Last evaluated: 2025-10-28. Review status: criteria provided, single submitter. Criteria: Invitae Variant Classification Sherloc (09022015). Collection method: clinical testing. Allele origin: germline.
Comment: This sequence change replaces valine, which is neutral and non-polar, with alanine, which is neutral and non-polar, at codon 1009 of the BUB1B protein (p.Val1009Ala). This variant is not present in population databases (gnomAD no frequency). This variant has not been reported in the literature in individuals affected with BUB1B-related conditions. ClinVar contains an entry for this variant (Variation ID: 1798967). An algorithm developed to predict the effect of missense changes on protein structure and function (PolyPhen-2) suggests that this variant is likely to be tolerated. In summary, the available evidence is currently insufficient to determine the role of this variant in disease. Therefore, it has been classified as a Variant of Uncertain Significance.

Ambry Genetics
Classification: Uncertain significance for Inborn genetic diseases. Last evaluated: 2024-03-06. Review status: criteria provided, single submitter. Criteria: Ambry Variant Classification Scheme 2023. Collection method: clinical testing. Allele origin: germline.
Comment: The p.V1009A variant (also known as c.3026T>C), located in coding exon 23 of the BUB1B gene, results from a T to C substitution at nucleotide position 3026. The valine at codon 1009 is replaced by alanine, an amino acid with similar properties. This amino acid position is conserved. In addition, this alteration is predicted to be tolerated by in silico analysis. Since supporting evidence is limited at this time, the clinical significance of this alteration remains unclear.

NM_001211.6(BUB1B):c.3026T>C (p.Val1009Ala)

Genes: BUB1B (BUB1 mitotic checkpoint serine/threonine kinase B; plus strand), BUB1B-PAK6 (BUB1B-PAK6 readthrough; plus strand). Cytogenetic location: 15q15.1.
Variant type: single nucleotide variant.
Coding change: c.3026T>C on transcript NM_001211.6 (MANE Select); coding-DNA position 3026, T replaced by C.
Protein change: p.Val1009Ala; replaces valine 1009 with alanine.
Molecular consequence: missense variant. On other transcripts: intron variant (2).
Genome position (GRCh38, 1-based): chr15:40,220,632, T>C. VCF-style: chr15-40220632-T-C. GRCh37 (hg19) VCF-style: chr15-40512833-T-C.
Other names: c.-201+2965T>C (NM_001128628.3); c.-118+2965T>C (NM_001128629.3); short protein forms V1009A.
Identifiers: ClinVar variation 1798967 (VCV001798967.3), dbSNP rs758666856, ClinGen allele CA391689839.